The following is an entry in ClinVar:

ClinVar aggregate classification (germline): Benign. Review status: criteria provided, multiple submitters, no conflicts (2 of 4 stars). 5 submissions from 5 submitters: Benign (2). 3 of the submissions do not count toward it. Last evaluated 2024-11-27.

Allele frequency attached by ClinVar (database versions not stated): 1000 Genomes Project 0.27376; 1000 Genomes Project 30x 0.27483; ESP Exome Variant Server 0.29094; TOPMed 0.29267; gnomAD 0.29456 and 0.29507; ExAC 0.30579; gnomAD exomes 0.30639 and 0.32003.
gnomAD v4.1: 505,464 of 1,593,100 alleles (32%); highest among the groups gnomAD compares: East Asian, 34%; 81,603 homozygotes.

Submissions (5):

Blueprint Genetics
Classification: Benign. Last evaluated: 2024-11-27. Review status: criteria provided, single submitter. Criteria: ACMG Guidelines, 2015. Collection method: clinical testing. Allele origin: germline.

GeneDx
Classification: Benign. Last evaluated: 2020-12-28. Review status: criteria provided, single submitter. Criteria: GeneDx Variant Classification Process June 2021. Collection method: clinical testing. Allele origin: germline. Affected: yes.

Diagnostic Laboratory, Department of Genetics, University Medical Center Groningen
Classification: Benign. Review status: no assertion criteria provided. Collection method: clinical testing. Allele origin: germline. Affected: yes. Study: VKGL Data-share Consensus. Not counted in ClinVar's aggregate classification.

Genetic Services Laboratory, University of Chicago
Classification: Likely benign for AllHighlyPenetrant. Review status: no assertion criteria provided. Collection method: clinical testing. Allele origin: germline. Inheritance: Autosomal recessive inheritance. Not counted in ClinVar's aggregate classification.
Comment: Likely benign based on allele frequency in 1000 Genomes Project or ESP global frequency and its presence in a patient with a rare or unrelated disease phenotype. NOT Sanger confirmed.

Joint Genome Diagnostic Labs from Nijmegen and Maastricht, Radboudumc and MUMC+
Classification: Benign. Review status: no assertion criteria provided. Collection method: clinical testing. Allele origin: germline. Affected: yes. Study: VKGL Data-share Consensus. Not counted in ClinVar's aggregate classification.

NM_021956.5(GRIK2):c.2312-9C>T

Gene: GRIK2 (glutamate ionotropic receptor kainate type subunit 2; plus strand). Cytogenetic location: 6q16.3.
Variant type: single nucleotide variant.
Coding change: c.2312-9C>T on transcript NM_021956.5 (MANE Select); 9 bases into the intron before coding-DNA position 2312, C replaced by T.
Molecular consequence: intron variant.
Genome position (GRCh38, 1-based): chr6:102,055,321, C>T. VCF-style: chr6-102055321-C-T. GRCh37 (hg19) VCF-style: chr6-102503196-C-T.
Other names: c.2312-9C>T (NM_175768.3, NM_001166247.1).
Identifiers: ClinVar variation 129174 (VCV000129174.13), dbSNP rs2227281, ClinGen allele CA153013.